The following is an entry in ClinVar:

ClinVar aggregate classification (germline): Uncertain significance (1 of 4 stars; one submission).

Conditions:
Neurofibromatosis, type 1 (NF1). Also called: Peripheral type neurofibromatosis; NEUROFIBROMATOSIS, TYPE I, SOMATIC; VON RECKLINGHAUSEN DISEASE; Neurofibromatosis, type I. Identifiers: Orphanet 636, MedGen C0027831, MONDO:0018975, OMIM 162200. Disease mechanism: loss of function.

Submission:

Labcorp Genetics (formerly Invitae), Labcorp
Classification: Uncertain significance for Neurofibromatosis, type 1. Last evaluated: 2022-02-25. Review status: criteria provided, single submitter. Criteria: Invitae Variant Classification Sherloc (09022015). Collection method: clinical testing. Allele origin: germline.
Comment: In summary, the available evidence is currently insufficient to determine the role of this variant in disease. Therefore, it has been classified as a Variant of Uncertain Significance. Variants that disrupt the consensus splice site are a relatively common cause of aberrant splicing (PMID: 17576681, 9536098). Algorithms developed to predict the effect of sequence changes on RNA splicing suggest that this variant may disrupt the consensus splice site. This variant has not been reported in the literature in individuals affected with NF1-related conditions. This variant is not present in population databases (gnomAD no frequency). This sequence change falls in intron 36 of the NF1 gene. It does not directly change the encoded amino acid sequence of the NF1 protein. It affects a nucleotide within the consensus splice site.

Literature cited by the submitters: PubMed 17576681; PubMed 9536098.

NM_001042492.3(NF1):c.5268+3A>C

Gene: NF1 (neurofibromin 1; plus strand). Cytogenetic location: 17q11.2.
Variant type: single nucleotide variant.
Coding change: c.5268+3A>C on transcript NM_001042492.3 (MANE Select); 3 bases into the intron after coding-DNA position 5268, A replaced by C.
Molecular consequence: intron variant.
Genome position (GRCh38, 1-based): chr17:31,326,255, A>C. VCF-style: chr17-31326255-A-C. GRCh37 (hg19) VCF-style: chr17-29653273-A-C.
Other names: c.5205+3A>C (NM_000267.4).
Identifiers: ClinVar variation 2103324 (VCV002103324.4), dbSNP rs2069338868, ClinGen allele CA2580093067.
Genomic context (GRCh38, chr17:31,326,255, plus strand): 5'-GAAGGTATTCCACAATGCTCTCAAGCTAGCTCACAAAGACACCAAAGTTTCTATTAAAGT[A>C]AGTTCCAGTCTGTGTTTTGTAAACGATTCATTGCTTTTCTTGACTAACTAGACTATATCC-3'